The following is an entry in ClinVar:

ClinVar aggregate classification (germline): Uncertain significance. Review status: criteria provided, multiple submitters, no conflicts (2 of 4 stars). 2 submissions from 2 submitters: Uncertain significance (2). Last evaluated 2023-11-12.

Conditions:
DICER1-related tumor predisposition. Also called: DICER1-related pleuropulmonary blastoma cancer predisposition syndrome; DICER1 syndrome. Identifiers: Orphanet 284343, MedGen C3839822, MONDO:0100216.
Hereditary cancer-predisposing syndrome. Also called: Hereditary Cancer Syndrome; Hereditary neoplastic syndrome; Neoplastic Syndromes, Hereditary; Tumor predisposition. Identifiers: Orphanet 140162, MedGen C0027672, MeSH D009386, MONDO:0015356.

Submissions (2):

Ambry Genetics
Classification: Uncertain significance for Hereditary cancer-predisposing syndrome. Last evaluated: 2023-11-12. Review status: criteria provided, single submitter. Criteria: Ambry Variant Classification Scheme 2023. Collection method: clinical testing. Allele origin: germline.
Comment: The p.H1549N variant (also known as c.4645C>A), located in coding exon 22 of the DICER1 gene, results from a C to A substitution at nucleotide position 4645. The histidine at codon 1549 is replaced by asparagine, an amino acid with similar properties. This amino acid position is conserved. In addition, the in silico prediction for this alteration is inconclusive. Since supporting evidence is limited at this time, the clinical significance of this alteration remains unclear.

Labcorp Genetics (formerly Invitae), Labcorp
Classification: Uncertain significance for DICER1-related tumor predisposition. Last evaluated: 2023-02-24. Review status: criteria provided, single submitter. Criteria: Invitae Variant Classification Sherloc (09022015). Collection method: clinical testing. Allele origin: germline.
Comment: This sequence change replaces histidine, which is basic and polar, with asparagine, which is neutral and polar, at codon 1549 of the DICER1 protein (p.His1549Asn). This variant is not present in population databases (gnomAD no frequency). This variant has not been reported in the literature in individuals affected with DICER1-related conditions. Advanced modeling of protein sequence and biophysical properties (such as structural, functional, and spatial information, amino acid conservation, physicochemical variation, residue mobility, and thermodynamic stability) performed at Invitae indicates that this missense variant is expected to disrupt DICER1 protein function. In summary, the available evidence is currently insufficient to determine the role of this variant in disease. Therefore, it has been classified as a Variant of Uncertain Significance.

NM_177438.3(DICER1):c.4645C>A (p.His1549Asn)

Gene: DICER1 (dicer 1, ribonuclease III; minus strand). Cytogenetic location: 14q32.13.
Variant type: single nucleotide variant.
Coding change: c.4645C>A on transcript NM_177438.3 (MANE Select); coding-DNA position 4645, C replaced by A.
Protein change: p.His1549Asn; replaces histidine 1549 with asparagine.
Molecular consequence: missense variant. On other transcripts: non-coding transcript variant (6).
Genome position (GRCh38, 1-based): chr14:95,096,275, G>T on the plus strand (C>A on the coding strand, the complement: DICER1 is on the minus strand). VCF-style: chr14-95096275-G-T. GRCh37 (hg19) VCF-style: chr14-95562612-G-T.
Other names: c.4645C>A, p.His1549Asn (NM_001195573.1, NM_001271282.3, NM_001291628.2 and 13 more transcripts); c.4363C>A, p.His1455Asn (NM_001395686.1); c.4240C>A, p.His1414Asn (NM_001395687.1, NM_001395688.1, NM_001395689.1 and 2 more transcripts); c.4078C>A, p.His1360Asn (NM_001395691.1); c.2962C>A, p.His988Asn (NM_001395697.1); short protein forms H1549N, H1360N, H1414N, H1455N, H988N.
Identifiers: ClinVar variation 2840334 (VCV002840334.4), dbSNP rs1595340328, ClinGen allele CA390867621.